The following is an entry in ClinVar:

ClinVar aggregate classification (germline): Uncertain significance. Review status: criteria provided, multiple submitters, no conflicts (2 of 4 stars). 2 submissions from 2 submitters: Uncertain significance (2). Last evaluated 2024-12-14.

Conditions:
Colorectal cancer, hereditary nonpolyposis, type 7. Identifiers: Orphanet 144, MedGen C1858380, MONDO:0013725, OMIM 614385.

Allele frequency attached by ClinVar (database versions not stated): gnomAD exomes 0.00001.
gnomAD v4.1: 10 of 1,614,174 alleles (0.00062%); highest among the groups gnomAD compares: Non-Finnish European, 0.00085%; no homozygotes.

Submissions (2):

Ambry Genetics
Classification: Uncertain significance. Last evaluated: 2024-12-14. Review status: criteria provided, single submitter. Criteria: Ambry Variant Classification Scheme 2023. Collection method: clinical testing. Allele origin: germline.
Comment: The p.L853P variant (also known as c.2558T>C), located in coding exon 1 of the MLH3 gene, results from a T to C substitution at nucleotide position 2558. The leucine at codon 853 is replaced by proline, an amino acid with similar properties. This amino acid position is well conserved in available vertebrate species. In addition, the in silico prediction for this alteration is inconclusive. The evidence for this gene-disease relationship is limited; therefore, the clinical significance of this alteration is unclear.

Labcorp Genetics (formerly Invitae), Labcorp
Classification: Uncertain significance for Colorectal cancer, hereditary nonpolyposis, type 7. Last evaluated: 2019-07-30. Review status: criteria provided, single submitter. Criteria: Invitae Variant Classification Sherloc (09022015). Collection method: clinical testing. Allele origin: germline.
Comment: In summary, the available evidence is currently insufficient to determine the role of this variant in disease. Therefore, it has been classified as a Variant of Uncertain Significance. This sequence change replaces leucine with proline at codon 853 of the MLH3 protein (p.Leu853Pro). The leucine residue is moderately conserved and there is a moderate physicochemical difference between leucine and proline. This variant is not present in population databases (ExAC no frequency). This variant has not been reported in the literature in individuals with MLH3-related conditions. Algorithms developed to predict the effect of missense changes on protein structure and function output the following: SIFT: "Deleterious"; PolyPhen-2: "Benign"; Align-GVGD: "Class C0". The proline amino acid residue is found in multiple mammalian species, suggesting that this missense change does not adversely affect protein function. These predictions have not been confirmed by published functional studies and their clinical significance is uncertain.

NM_001040108.2(MLH3):c.2558T>C (p.Leu853Pro)

Gene: MLH3 (mutL homolog 3; minus strand). Cytogenetic location: 14q24.3.
Variant type: single nucleotide variant.
Coding change: c.2558T>C on transcript NM_001040108.2 (MANE Select); coding-DNA position 2558, T replaced by C.
Protein change: p.Leu853Pro; replaces leucine 853 with proline.
Molecular consequence: missense variant.
Genome position (GRCh38, 1-based): chr14:75,047,098, A>G on the plus strand (T>C on the coding strand, the complement: MLH3 is on the minus strand). VCF-style: chr14-75047098-A-G. GRCh37 (hg19) VCF-style: chr14-75513801-A-G.
Other names: c.2558T>C, p.Leu853Pro (NM_014381.3); short protein forms L853P.
Identifiers: ClinVar variation 951776 (VCV000951776.10), dbSNP rs1181064566, ClinGen allele CA390439886.